The following is an entry in ClinVar:

ClinVar aggregate classification (germline): Uncertain significance (1 of 4 stars; one submission).

Allele frequency attached by ClinVar (database versions not stated): gnomAD exomes below 0.00001.
gnomAD v4.1: 2 of 1,613,738 alleles (0.00012%); highest among the groups gnomAD compares: Non-Finnish European, 0.00017%; no homozygotes.

Submission:

Labcorp Genetics (formerly Invitae), Labcorp
Classification: Uncertain significance. Last evaluated: 2023-02-11. Review status: criteria provided, single submitter. Criteria: Invitae Variant Classification Sherloc (09022015). Collection method: clinical testing. Allele origin: germline.
Comment: In summary, the available evidence is currently insufficient to determine the role of this variant in disease. Therefore, it has been classified as a Variant of Uncertain Significance. Algorithms developed to predict the effect of sequence changes on RNA splicing suggest that this variant may create or strengthen a splice site. This variant has not been reported in the literature in individuals affected with ANKRD26-related conditions. This variant is not present in population databases (gnomAD no frequency). This sequence change falls in intron 22 of the ANKRD26 gene. It does not directly change the encoded amino acid sequence of the ANKRD26 protein.

NM_014915.3(ANKRD26):c.2560-12A>G

Gene: ANKRD26 (ankyrin repeat domain 26; minus strand). Cytogenetic location: 10p12.1.
Variant type: single nucleotide variant.
Coding change: c.2560-12A>G on transcript NM_014915.3 (MANE Select); 12 bases into the intron before coding-DNA position 2560, A replaced by G.
Molecular consequence: intron variant.
Genome position (GRCh38, 1-based): chr10:27,037,335, T>C on the plus strand (A>G on the coding strand, the complement: ANKRD26 is on the minus strand). VCF-style: chr10-27037335-T-C. GRCh37 (hg19) VCF-style: chr10-27326264-T-C.
Other names: c.2557-12A>G (NM_001256053.2).
Identifiers: ClinVar variation 2794531 (VCV002794531.3), dbSNP rs2538784573, ClinGen allele CA2608606836.